The following is an entry in ClinVar:

ClinVar aggregate classification (germline): Likely pathogenic (1 of 4 stars; one submission).

Conditions:
Neurodevelopmental disorder with or without early-onset generalized epilepsy. Identifiers: MedGen C5436914, MONDO:0030930, OMIM 619157.

Submission:

Dasa
Classification: Likely pathogenic for Neurodevelopmental disorder with or without early-onset generalized epilepsy. Last evaluated: 2022-08-10. Review status: criteria provided, single submitter. Criteria: ACMG Guidelines, 2015. Collection method: clinical testing. Allele origin: germline. Observed: 1 variant allele.
Comment: The c.3362delp.(Asn1121Metfs*9) is a null frameshift variant (NMD) in the NBEA gene and predicts alteration of the nonsense-mediate decay - NMD is present in a relevant exon to the transcript - PVS1.. The variant is present at low allele frequencies population databases (rs763376147 – gnomAD 0.00004122%; ABraOM no frequency) -PM2_supporting. In summary, the currently available evidence indicates that the variant is likely pathogenic.

NM_001385012.1(NBEA):c.3362del (p.Asn1121fs)

Gene: NBEA (neurobeachin; plus strand). Cytogenetic location: 13q13.3.
Variant type: Deletion.
Coding change: c.3362del on transcript NM_001385012.1 (MANE Select); coding-DNA position 3362, one base deleted (A; older notation c.3362delA).
Protein change: p.Asn1121fs; shifts the reading frame from asparagine 1121.
Molecular consequence: frameshift variant.
Genome position (GRCh38, 1-based): chr13:35,159,533, A deleted; the last of 8 consecutive A bases (chr13:35,159,526-35,159,533); deleting any one gives the same sequence. VCF-style (leftmost placement, unchanged base first): chr13-35159525-TA-T. GRCh37 (hg19) VCF-style: chr13-35733662-TA-T.
Other names: c.3362del, p.Asn1121fs (NM_001379245.1, NM_015678.5); short protein forms N1121fs.
Identifiers: ClinVar variation 1702981 (VCV001702981.2), dbSNP rs763376147, ClinGen allele CA6946622.
Genomic context (GRCh38, chr13:35,159,525, plus strand): 5'-TGTATATAGTGCTGCTGTTGAGAAACTCCAGAACAATGTACATGGAAGTGTTGGTATCAT[TA>T]AAAAAAATGAAGAAAAGGATAATGGTCCATTGATAACATTAGCAGATGAGAAAGAAGACC-3'